The following is an entry in ClinVar:

NM_000548.5(TSC2):c.5181T>C (p.His1727=)

Gene: TSC2 (TSC complex subunit 2; plus strand). Cytogenetic location: 16p13.3.
Variant type: single nucleotide variant.
Coding change: c.5181T>C on transcript NM_000548.5 (MANE Select); coding-DNA position 5181, T replaced by C.
Protein change: p.His1727=; no amino-acid change (histidine 1727 retained).
Molecular consequence: synonymous variant.
Genome position (GRCh38, 1-based): chr16:2,088,247, T>C. VCF-style: chr16-2088247-T-C. GRCh37 (hg19) VCF-style: chr16-2138248-T-C.
Other names: c.4983T>C, p.His1661= (NM_001363528.2); c.5049T>C, p.His1683= (NM_001370404.1); c.5040T>C, p.His1680= (NM_001370405.1); c.5052T>C, p.His1684= (NM_021055.3); c.4980T>C, p.His1660= (NM_001077183.3); c.5112T>C, p.His1704= (NM_001114382.3); c.4872T>C, p.His1624= (NM_001318827.2); c.4836T>C, p.His1612= (NM_001318829.2); and 2 more.
Identifiers: ClinVar variation 1594587 (VCV001594587.12), dbSNP rs767191593, ClinGen allele CA054336.

ClinVar aggregate classification (germline): Benign/Likely benign. Review status: criteria provided, multiple submitters, no conflicts (2 of 4 stars). 4 submissions from 4 submitters: Benign (1); Likely benign (3). Last evaluated 2026-01-04.

Conditions:
Hereditary cancer-predisposing syndrome. Also called: Hereditary Cancer Syndrome; Tumor predisposition; Neoplastic Syndromes, Hereditary; Hereditary neoplastic syndrome. Identifiers: Orphanet 140162, MedGen C0027672, MeSH D009386, MONDO:0015356.
Tuberous sclerosis 2 (TSC2). Identifiers: Orphanet 805, MedGen C1860707, MONDO:0013199, OMIM 613254.
Tuberous sclerosis syndrome (TSC). Also called: Tuberous Sclerosis Complex; Tuberous sclerosis. Identifiers: Orphanet 805, MedGen C0041341, MONDO:0001734.

Allele frequency attached by ClinVar (database versions not stated): gnomAD exomes 0.00001; TOPMed 0.00001; ExAC 0.00002; gnomAD 0.00002 and 0.00003.
gnomAD v4.1: 7 of 1,613,044 alleles (0.00043%); highest among the groups gnomAD compares: African/African-American, 0.004%; no homozygotes.

Submissions (4):

Labcorp Genetics (formerly Invitae), Labcorp
Classification: Likely benign for Tuberous sclerosis 2. Last evaluated: 2026-01-04. Review status: criteria provided, single submitter. Criteria: Invitae Variant Classification Sherloc (09022015). Collection method: clinical testing. Allele origin: germline.

Myriad Genetics, Inc.
Classification: Benign for Tuberous sclerosis 2. Last evaluated: 2025-06-06. Review status: criteria provided, single submitter. Criteria: Myriad Autosomal Dominant, Autosomal Recessive and X-Linked Classification Criteria (2023). Collection method: clinical testing. Allele origin: unknown.
Comment: This variant is considered benign. This variant is a silent/synonymous amino acid change and it is not expected to impact splicing.

Color Diagnostics, LLC DBA Color Health
Classification: Likely benign for Tuberous sclerosis syndrome. Last evaluated: 2024-09-30. Review status: criteria provided, single submitter. Criteria: ACMG Guidelines, 2015. Collection method: clinical testing. Allele origin: germline.

Ambry Genetics
Classification: Likely benign for Hereditary cancer-predisposing syndrome. Last evaluated: 2020-12-08. Review status: criteria provided, single submitter. Criteria: Ambry Variant Classification Scheme 2023. Collection method: clinical testing. Allele origin: germline.